The following is an entry in ClinVar:

NM_020911.2(PLXNA4):c.497G>A (p.Ser166Asn)

Gene: PLXNA4 (plexin A4; minus strand). Cytogenetic location: 7q32.3.
Variant type: single nucleotide variant.
Coding change: c.497G>A on transcript NM_020911.2 (MANE Select); coding-DNA position 497, G replaced by A.
Protein change: p.Ser166Asn; replaces serine 166 with asparagine.
Molecular consequence: missense variant.
Genome position (GRCh38, 1-based): chr7:132,508,197, C>T on the plus strand (G>A on the coding strand, the complement: PLXNA4 is on the minus strand). VCF-style: chr7-132508197-C-T. GRCh37 (hg19) VCF-style: chr7-132192956-C-T.
Other names: c.497G>A, p.Ser166Asn (NM_001105543.2, NM_001393897.1, NM_181775.4); short protein forms S166N.
Identifiers: ClinVar variation 3346778 (VCV003346778.1).
Genomic context (GRCh38, chr7:132,508,197, plus strand): 5'-GCAATGAACAGCTTGTCATCCAGGTTGCTGTAGGAGACGATCACTCCAAAGACTGAGCCG[C>T]TCTCGTTGACACCTGACAGATAGTGCTCCTTCTTATGATAAGGCTCCCCCAGCTTGAAGA-3'
Protein context (NP_065962.1, residues 156-176): KEHYLSGVNE[Ser166Asn]GSVFGVIVSY

ClinVar aggregate classification (germline): Uncertain significance (0 of 4 stars; one submission).

Conditions:
PLXNA4-related disorder. Also called: PLXNA4-related condition.

gnomAD v4.1: 1 of 1,614,232 alleles (0.000062%); highest among the groups gnomAD compares: Non-Finnish European, 0.000085%; no homozygotes.

Submission:

PreventionGenetics, part of Exact Sciences
Classification: Uncertain significance for PLXNA4-related condition. Last evaluated: 2024-08-16. Review status: no assertion criteria provided. Collection method: clinical testing. Allele origin: germline.
Comment: The PLXNA4 c.497G>A variant is predicted to result in the amino acid substitution p.Ser166Asn. To our knowledge, this variant has not been reported in the literature or in a large population database, indicating this variant is rare. At this time, the clinical significance of this variant is uncertain due to the absence of conclusive functional and genetic evidence.